The following is an entry in ClinVar:

NM_001174150.2(ARL13B):c.1253G>A (p.Arg418Gln)

Gene: ARL13B (ARF like GTPase 13B; plus strand). Cytogenetic location: 3q11.2.
Variant type: single nucleotide variant.
Coding change: c.1253G>A on transcript NM_001174150.2 (MANE Select); coding-DNA position 1253, G replaced by A.
Protein change: p.Arg418Gln; replaces arginine 418 with glutamine.
Molecular consequence: missense variant. On other transcripts: non-coding transcript variant (2).
Genome position (GRCh38, 1-based): chr3:94,053,229, G>A. VCF-style: chr3-94053229-G-A. GRCh37 (hg19) VCF-style: chr3-93772073-G-A.
Other names: c.944G>A, p.Arg315Gln (NM_001174151.2); c.1208G>A, p.Arg403Gln (NM_001321328.2); c.932G>A, p.Arg311Gln (NM_144996.4); c.1253G>A, p.Arg418Gln (NM_182896.3); short protein forms R418Q, R311Q, R315Q, R403Q.
Identifiers: ClinVar variation 546147 (VCV000546147.40), dbSNP rs142510905, ClinGen allele CA2504326.

ClinVar aggregate classification (germline): Conflicting classifications of pathogenicity. Review status: criteria provided, conflicting classifications (1 of 4 stars). 7 submissions from 7 submitters: Uncertain significance (6); Likely benign (1). Last evaluated 2025-08-05.

Conditions:
Inborn genetic diseases. Identifiers: MedGen C0950123, MeSH D030342.
Joubert syndrome 8 (JBTS8). Identifiers: Orphanet 475, MedGen C2676771, MONDO:0012855, OMIM 612291.

Allele frequency attached by ClinVar (database versions not stated): gnomAD exomes 0.00035 and 0.00036; ExAC 0.00041; 1000 Genomes Project 30x 0.00078; 1000 Genomes Project 0.00080; gnomAD 0.00020 and 0.00024; TOPMed 0.00026; ESP Exome Variant Server 0.00031.
gnomAD v4.1: 562 of 1,613,250 alleles (0.035%); highest among the groups gnomAD compares: Middle Eastern, 0.21%; 1 homozygote.

Submissions (7):

Ambry Genetics
Classification: Uncertain significance for Inborn genetic diseases. Last evaluated: 2025-08-05. Review status: criteria provided, single submitter. Criteria: Ambry Variant Classification Scheme 2023. Collection method: clinical testing. Allele origin: germline.

Blueprint Genetics
Classification: Uncertain significance. Last evaluated: 2024-11-12. Review status: criteria provided, single submitter. Criteria: ACMG Guidelines, 2015. Collection method: clinical testing. Allele origin: germline.

Labcorp Genetics (formerly Invitae), Labcorp
Classification: Uncertain significance for Joubert syndrome 8. Last evaluated: 2024-10-23. Review status: criteria provided, single submitter. Criteria: Invitae Variant Classification Sherloc (09022015). Collection method: clinical testing. Allele origin: germline.
Comment: This sequence change replaces arginine, which is basic and polar, with glutamine, which is neutral and polar, at codon 418 of the ARL13B protein (p.Arg418Gln). This variant is present in population databases (rs142510905, gnomAD 0.05%). This variant has not been reported in the literature in individuals affected with ARL13B-related conditions. ClinVar contains an entry for this variant (Variation ID: 546147). An algorithm developed to predict the effect of missense changes on protein structure and function (PolyPhen-2) suggests that this variant is likely to be disruptive. In summary, the available evidence is currently insufficient to determine the role of this variant in disease. Therefore, it has been classified as a Variant of Uncertain Significance.

Fulgent Genetics
Classification: Uncertain significance for Joubert syndrome 8. Last evaluated: 2024-01-30. Review status: criteria provided, single submitter. Criteria: ACMG Guidelines, 2015. Collection method: clinical testing. Allele origin: germline.

GeneDx
Classification: Uncertain significance. Last evaluated: 2024-01-08. Review status: criteria provided, single submitter. Criteria: GeneDx Variant Classification Process June 2021. Collection method: clinical testing. Allele origin: germline. Affected: yes.
Comment: In silico analysis supports that this missense variant does not alter protein structure/function; Has not been previously published as pathogenic or benign to our knowledge; This variant is associated with the following publications: (PMID: 18674751)

CeGaT Center for Human Genetics Tuebingen
Classification: Likely benign. Last evaluated: 2022-10-01. Review status: criteria provided, single submitter. Criteria: CeGaT Center For Human Genetics Tuebingen Variant Classification Criteria Version 2. Collection method: clinical testing. Allele origin: germline. Affected: yes. Observed: 1 variant allele.
Comment: ARL13B: BP4, BP5

Breakthrough Genomics
Classification: Uncertain significance. Review status: criteria provided, single submitter. Criteria: ACMG Guidelines, 2015. Collection method: not provided. Allele origin: germline. Inheritance: Autosomal recessive inheritance. Affected: yes.